The following is an entry in ClinVar:

ClinVar aggregate classification (germline): Uncertain significance. Review status: criteria provided, multiple submitters, no conflicts (2 of 4 stars). 4 submissions from 4 submitters: Uncertain significance (4). Last evaluated 2025-12-03.

Conditions:
Meckel-Gruber syndrome. Also called: DYSENCEPHALIA SPLANCHNOCYSTICA; GRUBER SYNDROME; Dysencephalia splachnocystica. Identifiers: Orphanet 564, MedGen C0265215, MONDO:0018921.
Joubert syndrome. Also called: JOUBERT-BOLTSHAUSER SYNDROME; Familial aplasia of the vermis. Identifiers: Orphanet 475, MedGen C5979921, MONDO:0018772.
MKS1-related disorder. Also called: MKS1-related condition; MKS1-related disorders. Identifiers: MedGen CN239382.
Joubert syndrome 28 (JBTS28). Identifiers: MedGen C4310705, MONDO:0014928, OMIM 617121.
Bardet-Biedl syndrome 13 (BBS13). Identifiers: Orphanet 110, MedGen C2673873, MONDO:0014441, OMIM 615990.
Meckel syndrome, type 1 (MKS1). Also called: MECKEL-GRUBER SYNDROME, TYPE 1. Identifiers: Orphanet 564, MedGen C3714506, MONDO:0009571, OMIM 249000.

Allele frequency attached by ClinVar (database versions not stated): gnomAD 0.00001; gnomAD exomes 0.00001 and 0.00002; ExAC 0.00002; TOPMed 0.00002; ESP Exome Variant Server 0.00008.
gnomAD v4.1: 12 of 1,605,782 alleles (0.00075%); highest among the groups gnomAD compares: Admixed American, 0.0033%; no homozygotes.

Submissions (4):

PreventionGenetics, part of Exact Sciences
Classification: Uncertain significance for MKS1-related condition. Last evaluated: 2025-12-03. Review status: criteria provided, single submitter. Criteria: ACMG Guidelines, 2015. Collection method: clinical testing. Allele origin: germline.
Comment: The MKS1 c.509G>A variant is predicted to result in the amino acid substitution p.Arg170Gln. To our knowledge, this variant has not been reported in the literature. This variant is reported in 0.0058% of alleles in individuals of Latino descent in gnomAD. At this time, the clinical significance of this variant is uncertain due to the absence of conclusive functional and genetic evidence.

Fulgent Genetics
Classification: Uncertain significance for Meckel syndrome, type 1; Bardet-Biedl syndrome 13; Joubert syndrome 28. Last evaluated: 2024-04-22. Review status: criteria provided, single submitter. Criteria: ACMG Guidelines, 2015. Collection method: clinical testing. Allele origin: germline.

Labcorp Genetics (formerly Invitae), Labcorp
Classification: Uncertain significance for Joubert syndrome; Meckel-Gruber syndrome. Last evaluated: 2022-07-21. Review status: criteria provided, single submitter. Criteria: Invitae Variant Classification Sherloc (09022015). Collection method: clinical testing. Allele origin: germline.
Comment: This sequence change replaces arginine, which is basic and polar, with glutamine, which is neutral and polar, at codon 170 of the MKS1 protein (p.Arg170Gln). This variant is present in population databases (rs369388608, gnomAD 0.006%). This variant has not been reported in the literature in individuals affected with MKS1-related conditions. ClinVar contains an entry for this variant (Variation ID: 291016). Advanced modeling of protein sequence and biophysical properties (such as structural, functional, and spatial information, amino acid conservation, physicochemical variation, residue mobility, and thermodynamic stability) performed at Invitae indicates that this missense variant is not expected to disrupt MKS1 protein function. In summary, the available evidence is currently insufficient to determine the role of this variant in disease. Therefore, it has been classified as a Variant of Uncertain Significance.

Eurofins Ntd Llc (ga)
Classification: Uncertain significance. Last evaluated: 2016-08-27. Review status: criteria provided, single submitter. Criteria: EGL Classification Definitions 2015. Collection method: clinical testing. Allele origin: germline. Observed: 1 variant allele, 1 heterozygote.

NM_017777.4(MKS1):c.509G>A (p.Arg170Gln)

Gene: MKS1 (MKS transition zone complex subunit 1; minus strand). Cytogenetic location: 17q22.
Variant type: single nucleotide variant.
Coding change: c.509G>A on transcript NM_017777.4 (MANE Select); coding-DNA position 509, G replaced by A.
Protein change: p.Arg170Gln; replaces arginine 170 with glutamine.
Molecular consequence: missense variant. On other transcripts: intron variant (1).
Genome position (GRCh38, 1-based): chr17:58,214,747, C>T on the plus strand (G>A on the coding strand, the complement: MKS1 is on the minus strand). VCF-style: chr17-58214747-C-T. GRCh37 (hg19) VCF-style: chr17-56292108-C-T.
Other names: c.509G>A, p.Arg170Gln (NM_001321269.2, NM_001330397.2); c.-94-360G>A (NM_001321268.2); c.509G>A (NM_017777.3); short protein forms R170Q.
Identifiers: ClinVar variation 291016 (VCV000291016.11), dbSNP rs369388608, ClinGen allele CA8669501.